The following is an entry in ClinVar:

NM_022124.6(CDH23):c.7616G>C (p.Gly2539Ala)

Gene: CDH23 (cadherin related 23; plus strand). Cytogenetic location: 10q22.1.
Variant type: single nucleotide variant.
Coding change: c.7616G>C on transcript NM_022124.6 (MANE Select); coding-DNA position 7616, G replaced by C.
Protein change: p.Gly2539Ala; replaces glycine 2539 with alanine.
Molecular consequence: missense variant.
Genome position (GRCh38, 1-based): chr10:71,803,031, G>C. VCF-style: chr10-71803031-G-C. GRCh37 (hg19) VCF-style: chr10-73562788-G-C.
Other names: c.896G>C, p.Gly299Ala (NM_001171933.1, NM_001171934.1); short protein forms G2539A, G299A.
Identifiers: ClinVar variation 958998 (VCV000958998.10), dbSNP rs1841602000, ClinGen allele CA377160857.

ClinVar aggregate classification (germline): Uncertain significance. Review status: criteria provided, single submitter (1 of 4 stars). 2 submissions from 2 submitters: Uncertain significance (1). 1 of the submissions does not count toward it. Last evaluated 2019-10-08.

Conditions:
Usher syndrome type 1 (USH1). Also called: RETINITIS PIGMENTOSA AND CONGENITAL DEAFNESS. Identifiers: Orphanet 231169, Orphanet 886, MedGen C1568247, MONDO:0010168, OMIM 276900.

Submissions (2):

Labcorp Genetics (formerly Invitae), Labcorp
Classification: Uncertain significance. Last evaluated: 2019-10-08. Review status: criteria provided, single submitter. Criteria: Invitae Variant Classification Sherloc (09022015). Collection method: clinical testing. Allele origin: germline.
Comment: Algorithms developed to predict the effect of missense changes on protein structure and function are either unavailable or do not agree on the potential impact of this missense change (SIFT: "Deleterious"; PolyPhen-2: "Not Available"; Align-GVGD: "Class C0"). In summary, the available evidence is currently insufficient to determine the role of this variant in disease. Therefore, it has been classified as a Variant of Uncertain Significance. This sequence change replaces glycine with alanine at codon 2539 of the CDH23 protein (p.Gly2539Ala). The glycine residue is highly conserved and there is a small physicochemical difference between glycine and alanine. This variant is not present in population databases (ExAC no frequency). This variant has not been reported in the literature in individuals with CDH23-related conditions.

Natera, Inc.
Classification: Uncertain significance for Usher syndrome type 1. Last evaluated: 2021-02-25. Review status: no assertion criteria provided. Collection method: clinical testing. Allele origin: germline. Not counted in ClinVar's aggregate classification.